The following is an entry in ClinVar:

ClinVar aggregate classification (germline): Conflicting classifications of pathogenicity. Review status: criteria provided, conflicting classifications (1 of 4 stars). 3 submissions from 3 submitters: Uncertain significance (2); Likely benign (1). Last evaluated 2025-12-08.

Conditions:
Cardiovascular phenotype. Identifiers: MedGen CN230736.
Arrhythmogenic right ventricular dysplasia 12. Also called: ARRHYTHMOGENIC RIGHT VENTRICULAR DYSPLASIA, FAMILIAL, 12. Identifiers: MedGen C1969081, MONDO:0012684, OMIM 611528.
Naxos disease (NXD). Also called: KERATOSIS PALMOPLANTARIS WITH ARRHYTHMOGENIC CARDIOMYOPATHY; MAL DE NAXOS; PALMOPLANTAR KERATODERMA WITH ARRHYTHMOGENIC RIGHT VENTRICULAR CARDIOMYOPATHY AND WOOLLY HAIR; WOOLLY HAIR, PALMOPLANTAR KERATODERMA, AND CARDIAC ABNORMALITIES; CARDIOMYOPATHY, ARRHYTHMOGENIC RIGHT VENTRICULAR, WITH SKIN, HAIR, AND NAIL ABNORMALITIES. Identifiers: Orphanet 34217, MedGen C1832600, MONDO:0011017, OMIM 601214.

Allele frequency attached by ClinVar (database versions not stated): gnomAD exomes 0.00002 and 0.00003; gnomAD 0.00004; ExAC 0.00005; TOPMed 0.00005.
gnomAD v4.1: 47 of 1,613,424 alleles (0.0029%); highest among the groups gnomAD compares: South Asian, 0.0099%; no homozygotes.

Submissions (3):

Labcorp Genetics (formerly Invitae), Labcorp
Classification: Uncertain significance for Arrhythmogenic right ventricular dysplasia 12; Naxos disease. Last evaluated: 2025-12-08. Review status: criteria provided, single submitter. Criteria: Invitae Variant Classification Sherloc (09022015). Collection method: clinical testing. Allele origin: germline.
Comment: This sequence change replaces serine, which is neutral and polar, with leucine, which is neutral and non-polar, at codon 627 of the JUP protein (p.Ser627Leu). This variant is present in population databases (rs781883243, gnomAD 0.007%). This variant has not been reported in the literature in individuals affected with JUP-related conditions. ClinVar contains an entry for this variant (Variation ID: 201829). An algorithm developed to predict the effect of missense changes on protein structure and function (PolyPhen-2) suggests that this variant is likely to be tolerated. In summary, the available evidence is currently insufficient to determine the role of this variant in disease. Therefore, it has been classified as a Variant of Uncertain Significance.

Ambry Genetics
Classification: Likely benign for Cardiovascular phenotype. Last evaluated: 2023-06-03. Review status: criteria provided, single submitter. Criteria: Ambry Variant Classification Scheme 2023. Collection method: clinical testing. Allele origin: germline.

GeneDx
Classification: Uncertain significance. Last evaluated: 2019-09-16. Review status: criteria provided, single submitter. Criteria: GeneDx Variant Classification Process June 2021. Collection method: clinical testing. Allele origin: germline. Affected: yes.
Comment: Has not been previously published as pathogenic or benign to our knowledge; In silico analysis, which includes protein predictors and evolutionary conservation, supports that this variant does not alter protein structure/function

NM_002230.4(JUP):c.1880C>T (p.Ser627Leu)

Gene: JUP (junction plakoglobin; minus strand). Cytogenetic location: 17q21.2.
Variant type: single nucleotide variant.
Coding change: c.1880C>T on transcript NM_002230.4 (MANE Select); coding-DNA position 1880, C replaced by T.
Protein change: p.Ser627Leu; replaces serine 627 with leucine.
Molecular consequence: missense variant.
Genome position (GRCh38, 1-based): chr17:41,757,678, G>A on the plus strand (C>T on the coding strand, the complement: JUP is on the minus strand). VCF-style: chr17-41757678-G-A. GRCh37 (hg19) VCF-style: chr17-39913930-G-A.
Other names: p.S627L:TCG>TTG; c.1880C>T, p.Ser627Leu (NM_001352773.2, NM_001352774.2, NM_001352775.2 and 3 more transcripts); short protein forms S627L.
Identifiers: ClinVar variation 201829 (VCV000201829.11), dbSNP rs781883243, ClinGen allele CA308556.